The following is an entry in ClinVar:

NM_005334.3(HCFC1):c.200A>G (p.Asn67Ser)

Gene: HCFC1 (host cell factor C1; minus strand). Cytogenetic location: Xq28.
Variant type: single nucleotide variant.
Coding change: c.200A>G on transcript NM_005334.3 (MANE Select); coding-DNA position 200, A replaced by G.
Protein change: p.Asn67Ser; replaces asparagine 67 with serine.
Molecular consequence: missense variant.
Genome position (GRCh38, 1-based): chrX:153,964,720, T>C on the plus strand (A>G on the coding strand, the complement: HCFC1 is on the minus strand). VCF-style: chrX-153964720-T-C. GRCh37 (hg19) VCF-style: chrX-153230171-T-C.
Other names: c.200A>G, p.Asn67Ser (NM_001410705.1); short protein forms N67S.
Identifiers: ClinVar variation 3343507 (VCV003343507.1).
Genomic context (GRCh38, chrX:153,964,720, plus strand): 5'-AAGCCATAGGCTGCACACCCAGGGGGAATGTCCCCCCTCACGGCTGGGATGAACCACTGG[T>C]TGGTTGCTGGGGAACAGAAGGAGGCAGAAGTCAGAACACCCGGGAGCCCCCATTCCTCTC-3'
Protein context (NP_005325.2, residues 57-77): DELHVYNTAT[Asn67Ser]QWFIPAVRGD

ClinVar aggregate classification (germline): Uncertain significance (1 of 4 stars; one submission).

Submission:

GeneDx
Classification: Uncertain significance. Last evaluated: 2023-05-19. Review status: criteria provided, single submitter. Criteria: GeneDx Variant Classification Process June 2021. Collection method: clinical testing. Allele origin: germline. Affected: yes.
Comment: Not observed at significant frequency in large population cohorts (gnomAD); In silico analysis supports that this missense variant has a deleterious effect on protein structure/function; Has not been previously published as pathogenic or benign to our knowledge